The following is an entry in ClinVar:

NM_021729.6(VPS11):c.1619A>G (p.Gln540Arg)

Gene: VPS11 (VPS11 core subunit of CORVET and HOPS complexes; plus strand). Cytogenetic location: 11q23.3.
Variant type: single nucleotide variant.
Coding change: c.1619A>G on transcript NM_021729.6 (MANE Select); coding-DNA position 1619, A replaced by G.
Protein change: p.Gln540Arg; replaces glutamine 540 with arginine.
Molecular consequence: missense variant. On other transcripts: non-coding transcript variant (8).
Genome position (GRCh38, 1-based): chr11:119,077,924, A>G. VCF-style: chr11-119077924-A-G. GRCh37 (hg19) VCF-style: chr11-118948634-A-G.
Other names: c.1589A>G, p.Gln530Arg (NM_001290185.2); c.1631A>G, p.Gln544Arg (NM_001378218.1, NM_001378219.1); c.1604A>G, p.Gln535Arg (NM_001378220.1); c.1601A>G, p.Gln534Arg (NM_001378221.1); short protein forms Q544R, Q540R, Q530R, Q535R, Q534R.
Identifiers: ClinVar variation 2173056 (VCV002173056.1), dbSNP rs371324199, ClinGen allele CA6313470.

ClinVar aggregate classification (germline): Uncertain significance (1 of 4 stars; one submission).

Allele frequency attached by ClinVar (database versions not stated): ESP Exome Variant Server 0.00008; ExAC 0.00010; TOPMed 0.00015; gnomAD 0.00016; 1000 Genomes Project 0.00020; gnomAD exomes 0.00027.
gnomAD v4.1: 431 of 1,614,066 alleles (0.027%); highest among the groups gnomAD compares: Non-Finnish European, 0.034%; no homozygotes.

Submission:

Labcorp Genetics (formerly Invitae), Labcorp
Classification: Uncertain significance. Last evaluated: 2021-07-12. Review status: criteria provided, single submitter. Criteria: Invitae Variant Classification Sherloc (09022015). Collection method: clinical testing. Allele origin: germline.
Comment: This sequence change replaces glutamine with arginine at codon 540 of the VPS11 protein (p.Gln540Arg). There is a small physicochemical difference between glutamine and arginine. This variant is present in population databases (rs371324199, ExAC 0.02%). This variant has not been reported in the literature in individuals affected with VPS11-related conditions. Experimental studies and prediction algorithms are not available or were not evaluated, and the functional significance of this variant is currently unknown. In summary, the available evidence is currently insufficient to determine the role of this variant in disease. Therefore, it has been classified as a Variant of Uncertain Significance.